The following is an entry in ClinVar:

NM_015272.5(RPGRIP1L):c.1244-1G>T

Gene: RPGRIP1L (RPGRIP1 like; minus strand). Cytogenetic location: 16q12.2.
Variant type: single nucleotide variant.
Coding change: c.1244-1G>T on transcript NM_015272.5 (MANE Select); the canonical splice acceptor site of the intron before coding-DNA position 1244, G replaced by T.
Molecular consequence: splice acceptor variant.
Genome position (GRCh38, 1-based): chr16:53,658,879, C>A on the plus strand (G>T on the coding strand, the complement: RPGRIP1L is on the minus strand). VCF-style: chr16-53658879-C-A. GRCh37 (hg19) VCF-style: chr16-53692791-C-A.
Other names: c.1244-1G>T (NM_001308334.3, NM_001127897.4, NM_001330538.2).
Identifiers: ClinVar variation 853294 (VCV000853294.9), dbSNP rs1306595038, ClinGen allele CA395920644.

ClinVar aggregate classification (germline): Likely pathogenic. Review status: criteria provided, multiple submitters, no conflicts (2 of 4 stars). 2 submissions from 2 submitters: Likely pathogenic (2). Last evaluated 2024-08-29.

Conditions:
Meckel-Gruber syndrome. Also called: DYSENCEPHALIA SPLANCHNOCYSTICA; GRUBER SYNDROME; Dysencephalia splachnocystica. Identifiers: Orphanet 564, MedGen C0265215, MONDO:0018921.
Joubert syndrome. Also called: CEREBELLOPARENCHYMAL DISORDER IV; JOUBERT-BOLTSHAUSER SYNDROME; Familial aplasia of the vermis. Identifiers: Orphanet 475, MedGen C5979921, MONDO:0018772.
COACH syndrome 3. Identifiers: MedGen C5436841, MONDO:0030862, OMIM 619113.
Joubert syndrome 7 (JBTS7). Identifiers: Orphanet 220497, MedGen C1969053, MONDO:0012694, OMIM 611560.
Meckel syndrome, type 5 (MKS5). Identifiers: Orphanet 564, MedGen C1969052, MONDO:0012695, OMIM 611561.

Allele frequency attached by ClinVar (database versions not stated): gnomAD exomes below 0.00001; gnomAD 0.00003.
gnomAD v4.1: 9 of 1,566,046 alleles (0.00057%); highest among the groups gnomAD compares: Non-Finnish European, 0.00079%; no homozygotes.

Submissions (2):

Labcorp Genetics (formerly Invitae), Labcorp
Classification: Likely pathogenic for Joubert syndrome; Meckel-Gruber syndrome. Last evaluated: 2024-08-29. Review status: criteria provided, single submitter. Criteria: Invitae Variant Classification Sherloc (09022015). Collection method: clinical testing. Allele origin: germline.
Comment: This sequence change affects an acceptor splice site in intron 10 of the RPGRIP1L gene. It is expected to disrupt RNA splicing. Variants that disrupt the donor or acceptor splice site typically lead to a loss of protein function (PMID: 16199547), and loss-of-function variants in RPGRIP1L are known to be pathogenic (PMID: 17558409). This variant is not present in population databases (gnomAD no frequency). This variant has not been reported in the literature in individuals affected with RPGRIP1L-related conditions. ClinVar contains an entry for this variant (Variation ID: 853294). Algorithms developed to predict the effect of sequence changes on RNA splicing suggest that this variant may disrupt the consensus splice site. In summary, the currently available evidence indicates that the variant is pathogenic, but additional data are needed to prove that conclusively. Therefore, this variant has been classified as Likely Pathogenic.

Fulgent Genetics
Classification: Likely pathogenic for Joubert syndrome 7; Meckel syndrome, type 5; COACH syndrome 3. Last evaluated: 2022-05-09. Review status: criteria provided, single submitter. Criteria: ACMG Guidelines, 2015. Collection method: clinical testing. Allele origin: unknown.

Literature cited by the submitters: PubMed 16199547 (cited by Labcorp Genetics (formerly Invitae), Labcorp); PubMed 17558409 (cited by Labcorp Genetics (formerly Invitae), Labcorp).